The following is an entry in ClinVar:

NM_001184.4(ATR):c.4766C>T (p.Thr1589Ile)

Gene: ATR (ATR checkpoint kinase; minus strand). Cytogenetic location: 3q23.
Variant type: single nucleotide variant.
Coding change: c.4766C>T on transcript NM_001184.4 (MANE Select); coding-DNA position 4766, C replaced by T.
Protein change: p.Thr1589Ile; replaces threonine 1589 with isoleucine.
Molecular consequence: missense variant.
Genome position (GRCh38, 1-based): chr3:142,512,346, G>A on the plus strand (C>T on the coding strand, the complement: ATR is on the minus strand). VCF-style: chr3-142512346-G-A. GRCh37 (hg19) VCF-style: chr3-142231188-G-A.
Other names: c.4574C>T, p.Thr1525Ile (NM_001354579.2); short protein forms T1525I, T1589I.
Identifiers: ClinVar variation 2614016 (VCV002614016.2), dbSNP rs1435279810, ClinGen allele CA354795384.

ClinVar aggregate classification (germline): Uncertain significance (1 of 4 stars; one submission).

Conditions:
Inborn genetic diseases. Identifiers: MedGen C0950123, MeSH D030342.

Allele frequency attached by ClinVar (database versions not stated): TOPMed 0.00001.

Submission:

Ambry Genetics
Classification: Uncertain significance for Inborn genetic diseases. Last evaluated: 2023-09-04. Review status: criteria provided, single submitter. Criteria: Ambry Variant Classification Scheme 2023. Collection method: clinical testing. Allele origin: germline.
Comment: The p.T1589I variant (also known as c.4766C>T), located in coding exon 27 of the ATR gene, results from a C to T substitution at nucleotide position 4766. The threonine at codon 1589 is replaced by isoleucine, an amino acid with similar properties. This amino acid position is conserved. In addition, this alteration is predicted to be tolerated by in silico analysis. Since supporting evidence is limited at this time, the clinical significance of this alteration remains unclear.